The following is an entry in ClinVar:

ClinVar aggregate classification (germline): Uncertain significance (1 of 4 stars; one submission).

Allele frequency attached by ClinVar (database versions not stated): gnomAD 0.00002; TOPMed 0.00002; ESP Exome Variant Server 0.00008.
gnomAD v4.1: 58 of 1,613,760 alleles (0.0036%); highest among the groups gnomAD compares: Non-Finnish European, 0.0046%; no homozygotes.

Submission:

Labcorp Genetics (formerly Invitae), Labcorp
Classification: Uncertain significance. Last evaluated: 2023-04-01. Review status: criteria provided, single submitter. Criteria: Invitae Variant Classification Sherloc (09022015). Collection method: clinical testing. Allele origin: germline.
Comment: In summary, the available evidence is currently insufficient to determine the role of this variant in disease. Therefore, it has been classified as a Variant of Uncertain Significance. Experimental studies and prediction algorithms are not available or were not evaluated, and the functional significance of this variant is currently unknown. ClinVar contains an entry for this variant (Variation ID: 2168939). This variant has not been reported in the literature in individuals affected with LTBP4-related conditions. This variant is present in population databases (rs374067047, gnomAD 0.003%). This sequence change replaces isoleucine, which is neutral and non-polar, with leucine, which is neutral and non-polar, at codon 421 of the LTBP4 protein (p.Ile421Leu).

NM_001042545.2(LTBP4):c.1171A>C (p.Ile391Leu)

Gene: LTBP4 (latent transforming growth factor beta binding protein 4; plus strand). Cytogenetic location: 19q13.2.
Variant type: single nucleotide variant.
Coding change: c.1171A>C on transcript NM_001042545.2 (MANE Select); coding-DNA position 1171, A replaced by C.
Protein change: p.Ile391Leu; replaces isoleucine 391 with leucine.
Molecular consequence: missense variant.
Genome position (GRCh38, 1-based): chr19:40,608,234, A>C. VCF-style: chr19-40608234-A-C. GRCh37 (hg19) VCF-style: chr19-41114140-A-C.
Other names: c.1372A>C, p.Ile458Leu (NM_001042544.1); c.1261A>C, p.Ile421Leu (NM_003573.2); short protein forms I391L, I421L, I458L.
Identifiers: ClinVar variation 2168939 (VCV002168939.2), dbSNP rs374067047, ClinGen allele CA308449425.